The following is an entry in ClinVar:

NM_001142800.2(EYS):c.5980C>T (p.Gln1994Ter)

Gene: EYS (EGF-like photoreceptor maintenance factor; minus strand). Cytogenetic location: 6q12.
Variant type: single nucleotide variant.
Coding change: c.5980C>T on transcript NM_001142800.2 (MANE Select); coding-DNA position 5980, C replaced by T.
Protein change: p.Gln1994Ter; replaces glutamine 1994 with a stop codon.
Molecular consequence: nonsense.
Genome position (GRCh38, 1-based): chr6:64,388,788, G>A on the plus strand (C>T on the coding strand, the complement: EYS is on the minus strand). VCF-style: chr6-64388788-G-A. GRCh37 (hg19) VCF-style: chr6-65098681-G-A.
Other names: c.5980C>T, p.Gln1994Ter (NM_001292009.2); short protein forms Q1994*.
Identifiers: ClinVar variation 2115960 (VCV002115960.4), dbSNP rs997489824, ClinGen allele CA364392144.
Genomic context (GRCh38, chr6:64,388,788, plus strand): 5'-AGACAGATCCTGATTTTGGCAGGGGTTTTCCGAGTACATGATTGATAGATTCGCATATTT[G>A]TGTATTCCTCCCTAAAATAGTCAGCTCAGCGTTACATGGATCCAATTCTTGCCTGTAACC-3'

ClinVar aggregate classification (germline): Pathogenic (1 of 4 stars; one submission).

Submission:

Labcorp Genetics (formerly Invitae), Labcorp
Classification: Pathogenic. Last evaluated: 2023-03-09. Review status: criteria provided, single submitter. Criteria: Invitae Variant Classification Sherloc (09022015). Collection method: clinical testing. Allele origin: germline.
Comment: This sequence change creates a premature translational stop signal (p.Gln1994*) in the EYS gene. It is expected to result in an absent or disrupted protein product. Loss-of-function variants in EYS are known to be pathogenic (PMID: 18836446, 20333770). For these reasons, this variant has been classified as Pathogenic. ClinVar contains an entry for this variant (Variation ID: 2115960). This variant has not been reported in the literature in individuals affected with EYS-related conditions. This variant is not present in population databases (gnomAD no frequency).

Literature cited by the submitters: PubMed 18836446; PubMed 20333770.